The following is an entry in ClinVar:

ClinVar aggregate classification (germline): Uncertain significance (1 of 4 stars; one submission).

Conditions:
Hyperkalemic periodic paralysis. Also called: Familial hyperkalemic periodic paralysis; Gamstorp disease. Identifiers: Orphanet 682, MedGen C0238357, MONDO:0008224, OMIM 170500, HP:0007215.

gnomAD v4.1: 1 of 1,613,984 alleles (0.000062%); no homozygotes.

Submission:

Labcorp Genetics (formerly Invitae), Labcorp
Classification: Uncertain significance for Hyperkalemic periodic paralysis. Last evaluated: 2023-12-12. Review status: criteria provided, single submitter. Criteria: Invitae Variant Classification Sherloc (09022015). Collection method: clinical testing. Allele origin: germline.
Comment: This sequence change replaces tyrosine, which is neutral and polar, with aspartic acid, which is acidic and polar, at codon 635 of the SCN4A protein (p.Tyr635Asp). This variant is not present in population databases (gnomAD no frequency). This variant has not been reported in the literature in individuals affected with SCN4A-related conditions. Advanced modeling of protein sequence and biophysical properties (such as structural, functional, and spatial information, amino acid conservation, physicochemical variation, residue mobility, and thermodynamic stability) performed at Invitae indicates that this missense variant is expected to disrupt SCN4A protein function with a positive predictive value of 95%. In summary, the available evidence is currently insufficient to determine the role of this variant in disease. Therefore, it has been classified as a Variant of Uncertain Significance.

NM_000334.4(SCN4A):c.1903T>G (p.Tyr635Asp)

Gene: SCN4A (sodium voltage-gated channel alpha subunit 4; minus strand). Cytogenetic location: 17q23.3.
Variant type: single nucleotide variant.
Coding change: c.1903T>G on transcript NM_000334.4 (MANE Select); coding-DNA position 1903, T replaced by G.
Protein change: p.Tyr635Asp; replaces tyrosine 635 with aspartic acid.
Molecular consequence: missense variant.
Genome position (GRCh38, 1-based): chr17:63,959,381, A>C on the plus strand (T>G on the coding strand, the complement: SCN4A is on the minus strand). VCF-style: chr17-63959381-A-C. GRCh37 (hg19) VCF-style: chr17-62036741-A-C.
Other names: short protein forms Y635D.
Identifiers: ClinVar variation 2908506 (VCV002908506.3), dbSNP rs2509308121, ClinGen allele CA400632167.